The following is an entry in ClinVar:

ClinVar aggregate classification (germline): Uncertain significance. Review status: criteria provided, multiple submitters, no conflicts (2 of 4 stars). 5 submissions from 5 submitters: Uncertain significance (4). 1 of the submissions does not count toward it. Last evaluated 2023-11-08.

Conditions:
Fanconi anemia (FA). Also called: Fanconi's anemia. Identifiers: Orphanet 84, MedGen C0015625, MeSH D005199, MONDO:0019391.
Fanconi anemia complementation group G. Also called: Fanconi anemia group G; FANCG-Related Fanconi Anemia. Identifiers: Orphanet 84, MedGen C3469527, MONDO:0013565, OMIM 614082.

Allele frequency attached by ClinVar (database versions not stated): TOPMed below 0.00001; gnomAD exomes 0.00001; ExAC 0.00003.

Submissions (5):

Baylor Genetics
Classification: Uncertain significance for Fanconi anemia complementation group G. Last evaluated: 2023-11-08. Review status: criteria provided, single submitter. Criteria: ACMG Guidelines, 2015. Collection method: clinical testing. Allele origin: unknown.

Fulgent Genetics
Classification: Uncertain significance for Fanconi anemia complementation group G. Last evaluated: 2022-05-28. Review status: criteria provided, single submitter. Criteria: ACMG Guidelines, 2015. Collection method: clinical testing. Allele origin: unknown.

Labcorp Genetics (formerly Invitae), Labcorp
Classification: Uncertain significance for Fanconi anemia. Last evaluated: 2021-09-01. Review status: criteria provided, single submitter. Criteria: Invitae Variant Classification Sherloc (09022015). Collection method: clinical testing. Allele origin: germline.
Comment: This sequence change replaces asparagine with serine at codon 167 of the FANCG protein (p.Asn167Ser). The asparagine residue is moderately conserved and there is a small physicochemical difference between asparagine and serine. This variant is present in population databases (rs749946550, ExAC 0.005%). This variant has not been reported in the literature in individuals affected with FANCG-related conditions. ClinVar contains an entry for this variant (Variation ID: 456237). Algorithms developed to predict the effect of missense changes on protein structure and function (SIFT, PolyPhen-2, Align-GVGD) all suggest that this variant is likely to be tolerated. In summary, the available evidence is currently insufficient to determine the role of this variant in disease. Therefore, it has been classified as a Variant of Uncertain Significance.

CeGaT Center for Human Genetics Tuebingen
Classification: Uncertain significance. Last evaluated: 2018-10-01. Review status: criteria provided, single submitter. Criteria: CeGaT Center For Human Genetics Tuebingen Variant Classification Criteria Version 2. Collection method: clinical testing. Allele origin: germline. Affected: yes. Observed: 1 variant allele.

Natera, Inc.
Classification: Uncertain significance for Fanconi anemia group G. Last evaluated: 2020-02-07. Review status: no assertion criteria provided. Collection method: clinical testing. Allele origin: germline. Not counted in ClinVar's aggregate classification.

NM_004629.2(FANCG):c.500A>G (p.Asn167Ser)

Gene: FANCG (FA complementation group G; minus strand). Cytogenetic location: 9p13.3.
Variant type: single nucleotide variant.
Coding change: c.500A>G on transcript NM_004629.2 (MANE Select); coding-DNA position 500, A replaced by G.
Protein change: p.Asn167Ser; replaces asparagine 167 with serine.
Molecular consequence: missense variant.
Genome position (GRCh38, 1-based): chr9:35,078,151, T>C on the plus strand (A>G on the coding strand, the complement: FANCG is on the minus strand). VCF-style: chr9-35078151-T-C. GRCh37 (hg19) VCF-style: chr9-35078148-T-C.
Other names: short protein forms N167S.
Identifiers: ClinVar variation 456237 (VCV000456237.48), dbSNP rs749946550, ClinGen allele CA5040033.
Genomic context (GRCh38, chr9:35,078,151, plus strand): 5'-AGGAGGAAGGAAGGAGGAGACCCTCAGCTTCAGGTCACTTTCCCTATTACCTGGCTGCCA[T>C]TCAGGGTCTCTAGTAACAAGGCCAGGTCCCCAAGACGGTCAGCACTCAACCAGAGGGCAG-3'
Protein context (NP_004620.1, residues 157-177): GDLALLLETL[Asn167Ser]GSQSGASKDL